The following is an entry in ClinVar:

NM_002471.4(MYH6):c.2063A>G (p.Asn688Ser)

Gene: MYH6 (myosin heavy chain 6; minus strand). Cytogenetic location: 14q11.2.
Variant type: single nucleotide variant.
Coding change: c.2063A>G on transcript NM_002471.4 (MANE Select); coding-DNA position 2063, A replaced by G.
Protein change: p.Asn688Ser; replaces asparagine 688 with serine.
Molecular consequence: missense variant.
Genome position (GRCh38, 1-based): chr14:23,397,068, T>C on the plus strand (A>G on the coding strand, the complement: MYH6 is on the minus strand). VCF-style: chr14-23397068-T-C. GRCh37 (hg19) VCF-style: chr14-23866277-T-C.
Other names: short protein forms N688S.
Identifiers: ClinVar variation 3876434 (VCV003876434.1).

ClinVar aggregate classification (germline): Uncertain significance (1 of 4 stars; one submission).

Conditions:
Cardiovascular phenotype. Identifiers: MedGen CN230736.

Submission:

Ambry Genetics
Classification: Uncertain significance for Cardiovascular phenotype. Last evaluated: 2024-12-20. Review status: criteria provided, single submitter. Criteria: Ambry Variant Classification Scheme 2023. Collection method: clinical testing. Allele origin: germline.
Comment: The p.N688S variant (also known as c.2063A>G), located in coding exon 16 of the MYH6 gene, results from an A to G substitution at nucleotide position 2063. The asparagine at codon 688 is replaced by serine, an amino acid with highly similar properties. This amino acid position is conserved. In addition, this alteration is predicted to be tolerated by in silico analysis. Based on the available evidence, the clinical significance of this variant remains unclear.